The following is an entry in ClinVar:

NM_004360.5(CDH1):c.1137+3A>G

Gene: CDH1 (cadherin 1; plus strand). Cytogenetic location: 16q22.1.
Variant type: single nucleotide variant.
Coding change: c.1137+3A>G on transcript NM_004360.5 (MANE Select); 3 bases into the intron after coding-DNA position 1137, A replaced by G.
Molecular consequence: intron variant.
Genome position (GRCh38, 1-based): chr16:68,812,266, A>G. VCF-style: chr16-68812266-A-G. GRCh37 (hg19) VCF-style: chr16-68846169-A-G.
Other names: c.-479+3A>G (NM_001317185.2); c.-683+3A>G (NM_001317186.2); c.1137+3A>G (NM_001317184.2).
Identifiers: ClinVar variation 1729885 (VCV001729885.2), dbSNP rs2543924644, ClinGen allele CA2580091876.
Genomic context (GRCh38, chr16:68,812,266, plus strand): 5'-AGCTGTGATCACAGTCACTGACACCAACGATAATCCTCCGATCTTCAATCCCACCACGGT[A>G]ATTCTATAACTCCTTAGAGGGTTTCCAAAGAAAGGTCTTTTGTTGTTCATGAACTAAGTG-3'

ClinVar aggregate classification (germline): Uncertain significance (1 of 4 stars; one submission).

Conditions:
Hereditary cancer-predisposing syndrome. Also called: Neoplastic Syndromes, Hereditary; Tumor predisposition; Hereditary Cancer Syndrome; Hereditary neoplastic syndrome. Identifiers: Orphanet 140162, MedGen C0027672, MeSH D009386, MONDO:0015356.

Submission:

Ambry Genetics
Classification: Uncertain significance for Hereditary cancer-predisposing syndrome. Last evaluated: 2022-01-20. Review status: criteria provided, single submitter. Criteria: Ambry Variant Classification Scheme 2023. Collection method: clinical testing. Allele origin: germline.
Comment: The c.1137+3A>G intronic variant results from an A to G substitution 3 nucleotides after coding exon 8 in the CDH1 gene. This nucleotide position is highly conserved in available vertebrate species. In silico splice site analysis for this alteration is inconclusive; however, direct evidence is insufficient at this time (Ambry internal data). Since supporting evidence is limited at this time, the clinical significance of this alteration remains unclear.